The following is an entry in ClinVar:

ClinVar aggregate classification (germline): Uncertain significance (1 of 4 stars; one submission).

Conditions:
Myopathy, proximal, and ophthalmoplegia (CMYO6). Also called: MYOPATHY WITH CONGENITAL JOINT CONTRACTURES, OPHTHALMOPLEGIA, AND RIMMED VACUOLES; INCLUSION BODY MYOPATHY 3, AUTOSOMAL DOMINANT; CONGENITAL MYOPATHY 6 WITH OPHTHALMOPLEGIA. Identifiers: Orphanet 363677, Orphanet 79091, MedGen C1854106, MONDO:0011577, OMIM 605637.

Submission:

Labcorp Genetics (formerly Invitae), Labcorp
Classification: Uncertain significance for Myopathy, proximal, and ophthalmoplegia. Last evaluated: 2025-03-05. Review status: criteria provided, single submitter. Criteria: Invitae Variant Classification Sherloc (09022015). Collection method: clinical testing. Allele origin: germline.
Comment: This sequence change replaces glycine, which is neutral and non-polar, with valine, which is neutral and non-polar, at codon 1284 of the MYH2 protein (p.Gly1284Val). This variant is not present in population databases (gnomAD no frequency). This variant has not been reported in the literature in individuals affected with MYH2-related conditions. Invitae Evidence Modeling of protein sequence and biophysical properties (such as structural, functional, and spatial information, amino acid conservation, physicochemical variation, residue mobility, and thermodynamic stability) has been performed for this missense variant. However, the output from this modeling did not meet the statistical confidence thresholds required to predict the impact of this variant on MYH2 protein function. In summary, the available evidence is currently insufficient to determine the role of this variant in disease. Therefore, it has been classified as a Variant of Uncertain Significance.

NM_017534.6(MYH2):c.3851G>T (p.Gly1284Val)

Genes: MYHAS (myosin heavy chain gene cluster antisense RNA; plus strand), MYH2 (myosin heavy chain 2; minus strand). Cytogenetic location: 17p13.1.
Variant type: single nucleotide variant.
Coding change: c.3851G>T on transcript NM_017534.6 (MANE Select); coding-DNA position 3851, G replaced by T.
Protein change: p.Gly1284Val; replaces glycine 1284 with valine.
Molecular consequence: missense variant.
Genome position (GRCh38, 1-based): chr17:10,527,768, C>A on the plus strand (G>T on the coding strand, the complement: MYH2 is on the minus strand). VCF-style: chr17-10527768-C-A. GRCh37 (hg19) VCF-style: chr17-10431085-C-A.
Other names: c.3851G>T, p.Gly1284Val (NM_001100112.2); short protein forms G1284V.
Identifiers: ClinVar variation 4738133 (VCV004738133.1).